The following is an entry in ClinVar:

ClinVar aggregate classification (germline): Pathogenic (1 of 4 stars; one submission).

Submission:

GeneDx
Classification: Pathogenic. Last evaluated: 2025-07-11. Review status: criteria provided, single submitter. Criteria: GeneDx Variant Classification Process June 2021. Collection method: clinical testing. Allele origin: germline. Affected: yes.
Comment: Frameshift variant predicted to result in protein truncation or nonsense mediated decay in a gene for which loss of function is a known mechanism of disease; Not observed at significant frequency in large population cohorts (gnomAD); Has not been previously published as pathogenic or benign to our knowledge

NM_001197104.2(KMT2A):c.9143_9146del (p.Lys3048fs)

Gene: KMT2A (lysine methyltransferase 2A; plus strand). Cytogenetic location: 11q23.3.
Variant type: Deletion.
Coding change: c.9143_9146del on transcript NM_001197104.2 (MANE Select); coding-DNA positions 9143 to 9146, 4 bases deleted (AGTA; older notation c.9143_9146delAGTA).
Protein change: p.Lys3048fs; shifts the reading frame from lysine 3048.
Molecular consequence: frameshift variant.
Genome position (GRCh38, 1-based): chr11:118,505,035-118,505,038, AGTA deleted; deleting any 4 consecutive bases within chr11:118,505,034-118,505,038 gives the same sequence; the c. name uses the placement nearest the transcript's 3' end. VCF-style (leftmost placement, unchanged base first): chr11-118505033-GAAGT-G. GRCh37 (hg19) VCF-style: chr11-118375748-GAAGT-G.
Other names: c.9143_9146delAGTA, p.Lys3048Metfs (NM_001197104.1); c.9233_9236del, p.Lys3078fs (NM_001412597.1); c.9134_9137del, p.Lys3045fs (NM_005933.4); short protein forms K3045fs, K3048fs, K3078fs.
Identifiers: ClinVar variation 4685109 (VCV004685109.1).